The following is an entry in ClinVar:

ClinVar aggregate classification (germline): Uncertain significance (1 of 4 stars; one submission).

Conditions:
Alpha thalassemia-X-linked intellectual disability syndrome (ATRX). Also called: X-linked alpha-thalassemia-mental retardation syndrome; ALPHA-THALASSEMIA/IMPAIRED INTELLECTUAL DEVELOPMENT SYNDROME, X-LINKED; ALPHA-THALASSEMIA/MENTAL RETARDATION SYNDROME, X-LINKED; ATR, NONDELETION TYPE; ATR-X syndrome; Alpha thalassemia mental retardation syndrome, nondeletion type, X-linked. Identifiers: Orphanet 847, MedGen C1845055, MONDO:0010519, OMIM 301040.

Submission:

Labcorp Genetics (formerly Invitae), Labcorp
Classification: Uncertain significance for Alpha thalassemia-X-linked intellectual disability syndrome. Last evaluated: 2021-08-14. Review status: criteria provided, single submitter. Criteria: Invitae Variant Classification Sherloc (09022015). Collection method: clinical testing. Allele origin: germline.
Comment: This sequence change replaces asparagine with lysine at codon 1214 of the ATRX protein (p.Asn1214Lys). The asparagine residue is moderately conserved and there is a moderate physicochemical difference between asparagine and lysine. This variant is not present in population databases (ExAC no frequency). This variant has not been reported in the literature in individuals affected with ATRX-related conditions. Advanced modeling of protein sequence and biophysical properties (such as structural, functional, and spatial information, amino acid conservation, physicochemical variation, residue mobility, and thermodynamic stability) performed at Invitae indicates that this missense variant is not expected to disrupt ATRX protein function. In summary, the available evidence is currently insufficient to determine the role of this variant in disease. Therefore, it has been classified as a Variant of Uncertain Significance.

NM_000489.6(ATRX):c.3642T>G (p.Asn1214Lys)

Gene: ATRX (ATRX chromatin remodeler; minus strand). Cytogenetic location: Xq21.1.
Variant type: single nucleotide variant.
Coding change: c.3642T>G on transcript NM_000489.6 (MANE Select); coding-DNA position 3642, T replaced by G.
Protein change: p.Asn1214Lys; replaces asparagine 1214 with lysine.
Molecular consequence: missense variant.
Genome position (GRCh38, 1-based): chrX:77,681,614, A>C on the plus strand (T>G on the coding strand, the complement: ATRX is on the minus strand). VCF-style: chrX-77681614-A-C. GRCh37 (hg19) VCF-style: chrX-76937106-A-C.
Other names: c.3528T>G, p.Asn1176Lys (NM_138270.5); short protein forms N1176K, N1214K.
Identifiers: ClinVar variation 1502663 (VCV001502663.5), dbSNP rs2148568110, ClinGen allele CA413705892.